The following is an entry in ClinVar:

ClinVar aggregate classification (germline): Uncertain significance (1 of 4 stars; one submission).

gnomAD v4.1: 2 of 1,613,714 alleles (0.00012%); highest among the groups gnomAD compares: Non-Finnish European, 0.00017%; no homozygotes.

Submission:

Labcorp Genetics (formerly Invitae), Labcorp
Classification: Uncertain significance. Last evaluated: 2025-12-13. Review status: criteria provided, single submitter. Criteria: Invitae Variant Classification Sherloc (09022015). Collection method: clinical testing. Allele origin: germline.
Comment: This sequence change replaces asparagine, which is neutral and polar, with serine, which is neutral and polar, at codon 764 of the LRRC8A protein (p.Asn764Ser). This variant is not present in population databases (gnomAD no frequency). This variant has not been reported in the literature in individuals affected with LRRC8A-related conditions. An algorithm developed to predict the effect of missense changes on protein structure and function (PolyPhen-2) suggests that this variant is likely to be disruptive. In summary, the available evidence is currently insufficient to determine the role of this variant in disease. Therefore, it has been classified as a Variant of Uncertain Significance.

NM_019594.4(LRRC8A):c.2291A>G (p.Asn764Ser)

Gene: LRRC8A (leucine rich repeat containing 8 VRAC subunit A; plus strand). Cytogenetic location: 9q34.11.
Variant type: single nucleotide variant.
Coding change: c.2291A>G on transcript NM_019594.4 (MANE Select); coding-DNA position 2291, A replaced by G.
Protein change: p.Asn764Ser; replaces asparagine 764 with serine.
Molecular consequence: missense variant.
Genome position (GRCh38, 1-based): chr9:128,916,229, A>G. VCF-style: chr9-128916229-A-G. GRCh37 (hg19) VCF-style: chr9-131678508-A-G.
Other names: c.2291A>G, p.Asn764Ser (NM_001127244.2, NM_001127245.2); short protein forms N764S.
Identifiers: ClinVar variation 4702982 (VCV004702982.1).